The following is an entry in ClinVar:

ClinVar aggregate classification (germline): Likely benign (1 of 4 stars; one submission).

Allele frequency attached by ClinVar (database versions not stated): gnomAD exomes 0.00004; gnomAD 0.00005; TOPMed 0.00006; ExAC 0.00008; ESP Exome Variant Server 0.00025.
gnomAD v4.1: 71 of 1,613,346 alleles (0.0044%); highest among the groups gnomAD compares: Non-Finnish European, 0.00059%; no homozygotes.

Submission:

CeGaT Center for Human Genetics Tuebingen
Classification: Likely benign. Last evaluated: 2022-04-01. Review status: criteria provided, single submitter. Criteria: CeGaT Center For Human Genetics Tuebingen Variant Classification Criteria Version 2. Collection method: clinical testing. Allele origin: germline. Affected: yes. Observed: 2 variant alleles.
Comment: ABCA13: BP4, BP7

NM_152701.5(ABCA13):c.5439A>T (p.Ser1813=)

Gene: ABCA13 (ATP binding cassette subfamily A member 13; plus strand). Cytogenetic location: 7p12.3.
Variant type: single nucleotide variant.
Coding change: c.5439A>T on transcript NM_152701.5 (MANE Select); coding-DNA position 5439, A replaced by T.
Protein change: p.Ser1813=; no amino-acid change (serine 1813 retained).
Molecular consequence: synonymous variant.
Genome position (GRCh38, 1-based): chr7:48,275,105, A>T. VCF-style: chr7-48275105-A-T. GRCh37 (hg19) VCF-style: chr7-48314702-A-T.
Identifiers: ClinVar variation 2657473 (VCV002657473.24), dbSNP rs199850456, ClinGen allele CA4257191.
Genomic context (GRCh38, chr7:48,275,105, plus strand): 5'-TGTGATAAAAATTCTTTTGGATACAATTGAATTAGTATCAGATAAGCCAGATATTATTTC[A>T]GAGGCTTTAGCTTGTTTTCCTGTGGTTTGGTGCTGGAATCACACAAATTCTGGATTTCGG-3'
Protein context (NP_689914.3, residues 1803-1823): ELVSDKPDII[Ser1813=]EALACFPVVW